The following is an entry in ClinVar:

ClinVar aggregate classification (germline): Uncertain significance (1 of 4 stars; one submission).

Allele frequency attached by ClinVar (database versions not stated): gnomAD 0.00001; TOPMed 0.00001; gnomAD exomes below 0.00001.
gnomAD v4.1: 6 of 1,611,286 alleles (0.00037%); highest among the groups gnomAD compares: Non-Finnish European, 0.00042%; no homozygotes.

Submission:

Labcorp Genetics (formerly Invitae), Labcorp
Classification: Uncertain significance. Last evaluated: 2022-10-14. Review status: criteria provided, single submitter. Criteria: Invitae Variant Classification Sherloc (09022015). Collection method: clinical testing. Allele origin: germline.
Comment: This sequence change replaces valine, which is neutral and non-polar, with isoleucine, which is neutral and non-polar, at codon 515 of the COL18A1 protein (p.Val515Ile). This variant is present in population databases (no rsID available, gnomAD 0.0009%). This variant has not been reported in the literature in individuals affected with COL18A1-related conditions. ClinVar contains an entry for this variant (Variation ID: 1362877). Experimental studies and prediction algorithms are not available or were not evaluated, and the functional significance of this variant is currently unknown. In summary, the available evidence is currently insufficient to determine the role of this variant in disease. Therefore, it has been classified as a Variant of Uncertain Significance.

NM_001379500.1(COL18A1):c.1543G>A (p.Val515Ile)

Gene: COL18A1 (collagen type XVIII alpha 1 chain; plus strand). Cytogenetic location: 21q22.3.
Variant type: single nucleotide variant.
Coding change: c.1543G>A on transcript NM_001379500.1 (MANE Select); coding-DNA position 1543, G replaced by A.
Protein change: p.Val515Ile; replaces valine 515 with isoleucine.
Molecular consequence: missense variant.
Genome position (GRCh38, 1-based): chr21:45,480,790, G>A. VCF-style: chr21-45480790-G-A. GRCh37 (hg19) VCF-style: chr21-46900704-G-A.
Other names: c.2083G>A, p.Val695Ile (NM_030582.4); c.2788G>A, p.Val930Ile (NM_130444.3); short protein forms V515I, V695I, V930I.
Identifiers: ClinVar variation 1362877 (VCV001362877.3), dbSNP rs1308231024, ClinGen allele CA410517826.